The following is an entry in ClinVar:

ClinVar aggregate classification (germline): Uncertain significance. Review status: criteria provided, multiple submitters, no conflicts (2 of 4 stars). 3 submissions from 3 submitters: Uncertain significance (3). Last evaluated 2025-08-02.

Conditions:
Inborn genetic diseases. Identifiers: MedGen C0950123, MeSH D030342.
Spastic paraplegia. Identifiers: MedGen C0037772, HP:0001258.

Allele frequency attached by ClinVar (database versions not stated): ExAC 0.00002; gnomAD exomes 0.00003 and 0.00004; gnomAD 0.00006 and 0.00015; ESP Exome Variant Server 0.00008; TOPMed 0.00008; 1000 Genomes Project 30x 0.00031; 1000 Genomes Project 0.00040.
gnomAD v4.1: 77 of 1,613,436 alleles (0.0048%); highest among the groups gnomAD compares: African/African-American, 0.041%; 2 homozygotes.

Submissions (3):

Ambry Genetics
Classification: Uncertain significance for Inborn genetic diseases. Last evaluated: 2025-08-02. Review status: criteria provided, single submitter. Criteria: Ambry Variant Classification Scheme 2023. Collection method: clinical testing. Allele origin: germline.

Blueprint Genetics
Classification: Uncertain significance. Last evaluated: 2024-05-30. Review status: criteria provided, single submitter. Criteria: ACMG Guidelines, 2015. Collection method: clinical testing. Allele origin: germline.

Labcorp Genetics (formerly Invitae), Labcorp
Classification: Uncertain significance for Spastic paraplegia. Last evaluated: 2021-12-24. Review status: criteria provided, single submitter. Criteria: Invitae Variant Classification Sherloc (09022015). Collection method: clinical testing. Allele origin: germline.
Comment: In summary, the available evidence is currently insufficient to determine the role of this variant in disease. Therefore, it has been classified as a Variant of Uncertain Significance. Algorithms developed to predict the effect of missense changes on protein structure and function output the following: SIFT: "Tolerated"; PolyPhen-2: "Benign"; Align-GVGD: "Class C0". The glutamine amino acid residue is found in multiple mammalian species, which suggests that this missense change does not adversely affect protein function. ClinVar contains an entry for this variant (Variation ID: 660790). This variant has not been reported in the literature in individuals affected with AP4S1-related conditions. This variant is present in population databases (rs183487893, gnomAD 0.03%). This sequence change replaces arginine, which is basic and polar, with glutamine, which is neutral and polar, at codon 97 of the AP4S1 protein (p.Arg97Gln).

NM_001128126.3(AP4S1):c.290G>A (p.Arg97Gln)

Gene: AP4S1 (adaptor related protein complex 4 subunit sigma 1; plus strand). Cytogenetic location: 14q12.
Variant type: single nucleotide variant.
Coding change: c.290G>A on transcript NM_001128126.3 (MANE Select); coding-DNA position 290, G replaced by A.
Protein change: p.Arg97Gln; replaces arginine 97 with glutamine.
Molecular consequence: missense variant.
Genome position (GRCh38, 1-based): chr14:31,072,969, G>A. VCF-style: chr14-31072969-G-A. GRCh37 (hg19) VCF-style: chr14-31542175-G-A.
Other names: c.290G>A, p.Arg97Gln (NM_001254726.2, NM_001254727.2, NM_001254728.2 and 2 more transcripts); c.290G>A (NM_007077.3); short protein forms R97Q.
Identifiers: ClinVar variation 660790 (VCV000660790.9), dbSNP rs183487893, ClinGen allele CA7144220.
Genomic context (GRCh38, chr14:31,072,969, plus strand): 5'-AGATGGCTATTTATGAATTCATTCATAACTTTGTGGAAGTTTTAGATGAGTATTTCAGCC[G>A]AGTGGTAAGTCTAATGGCTAAAAAATGGTTTACTTCCTCAACCCAGTTTCCCAGAAATTG-3'
Protein context (NP_001121598.1, residues 87-107): FVEVLDEYFS[Arg97Gln]VSELDIMFNL